The following is an entry in ClinVar:

ClinVar aggregate classification (germline): Conflicting classifications of pathogenicity. Review status: criteria provided, conflicting classifications (1 of 4 stars). 10 submissions from 9 submitters: Likely pathogenic (1); Uncertain significance (4); Benign (1); Likely benign (3). 1 of the submissions does not count toward it. Last evaluated 2026-01-06.

Conditions:
TRIM32-related disorder. Also called: TRIM32-related condition.
Bardet-Biedl syndrome (BBS). Identifiers: Orphanet 110, MedGen C0752166, MONDO:0015229.
Sarcotubular myopathy (LGMDR8). Also called: Autosomal recessive limb-girdle muscular dystrophy type 2H; Limb-girdle muscular dystrophy, type 2H; Hutterite type of muscular dystrophy; MUSCULAR DYSTROPHY, LIMB-GIRDLE, AUTOSOMAL RECESSIVE 8. Identifiers: Orphanet 1878, MedGen C0270968, MONDO:0009683, OMIM 254110.
Bardet-Biedl syndrome 11 (BBS11). Identifiers: Orphanet 110, MedGen C1859569, MONDO:0014439, OMIM 615988.

Allele frequency attached by ClinVar (database versions not stated): gnomAD 0.00002 and 0.00011; TOPMed 0.00003; gnomAD exomes 0.00058; ExAC 0.00064; 1000 Genomes Project 30x 0.00109; 1000 Genomes Project 0.00120.
gnomAD v4.1: 433 of 1,614,044 alleles (0.027%); highest among the groups gnomAD compares: South Asian, 0.42%; 6 homozygotes.

Submissions (10):

Labcorp Genetics (formerly Invitae), Labcorp
Classification: Benign for Bardet-Biedl syndrome. Last evaluated: 2026-01-06. Review status: criteria provided, single submitter. Criteria: Invitae Variant Classification Sherloc (09022015). Collection method: clinical testing. Allele origin: germline.

Blueprint Genetics
Classification: Likely benign. Last evaluated: 2024-04-16. Review status: criteria provided, single submitter. Criteria: ACMG Guidelines, 2015. Collection method: clinical testing. Allele origin: germline.

Revvity Omics, Revvity
Classification: Likely benign. Last evaluated: 2023-11-09. Review status: criteria provided, single submitter. Criteria: ACMG Guidelines, 2015. Collection method: clinical testing. Allele origin: germline.

CeGaT Center for Human Genetics Tuebingen
Classification: Likely benign. Last evaluated: 2023-07-01. Review status: criteria provided, single submitter. Criteria: CeGaT Center For Human Genetics Tuebingen Variant Classification Criteria Version 2. Collection method: clinical testing. Allele origin: germline. Affected: yes. Observed: 2 variant alleles.
Comment: TRIM32: BS2

Illumina Laboratory Services, Illumina
Classification: Uncertain significance for Bardet-Biedl syndrome 11. Last evaluated: 2018-01-13. Review status: criteria provided, single submitter. Criteria: ICSL Variant Classification Criteria 13 December 2019. Collection method: clinical testing. Allele origin: germline.

Illumina Laboratory Services, Illumina
Classification: Uncertain significance for Sarcotubular myopathy. Last evaluated: 2018-01-13. Review status: criteria provided, single submitter. Criteria: ICSL Variant Classification Criteria 13 December 2019. Collection method: clinical testing. Allele origin: germline.

GeneDx
Classification: Uncertain significance. Last evaluated: 2016-11-04. Review status: criteria provided, single submitter. Criteria: GeneDx Variant Classification (06012015). Collection method: clinical testing. Allele origin: germline. Affected: yes.
Comment: A variant of uncertain significance has been identified in the TRIM32 gene. The R124W variant has not been published as a pathogenic variant, nor has it been reported as a benign variant to our knowledge. The R124W variant is observed in 74/16,512 (0.4%) alleles from individuals of South Asian background (Lek et al., 2016; 1000 Genomes Consortium et al., 2015; Exome Variant Server). The R124W variant is a non-conservative amino acid substitution, which is likely to impact secondary protein structure as these residues differ in polarity, charge, size and/or other properties. This substitution occurs at a position that is where amino acids with similar properties to Arginine are tolerated across species. In silico analysis is inconsistent in its predictions as to whether or not the variant is damaging to the protein structure/function. Based on the currently available information, it is unclear whether this variant is a pathogenic variant or a rare benign variant.

Eurofins Ntd Llc (ga)
Classification: Uncertain significance. Last evaluated: 2015-09-24. Review status: criteria provided, single submitter. Criteria: EGL Classification Definitions 2015. Collection method: clinical testing. Allele origin: germline. Observed: 1 variant allele, 1 heterozygote.

SN ONGC Dept of Genetics and Molecular biology Vision Research Foundation
Classification: Likely pathogenic for Bardet-Biedl syndrome. Review status: criteria provided, single submitter. Criteria: ACMG Guidelines, 2015. Collection method: research. Allele origin: biparental. Affected: yes. Observed: 1 heterozygote.
Comment: This variant was observed in trigenic inheritance with the variants NC_000011.9:g.66278507dup and NC_000002.11:g.27702395G>A.

PreventionGenetics, part of Exact Sciences
Classification: Likely benign for TRIM32-related condition. Last evaluated: 2020-03-23. Review status: no assertion criteria provided. Collection method: clinical testing. Allele origin: germline. Not counted in ClinVar's aggregate classification.
Comment: This variant is classified as likely benign based on ACMG/AMP sequence variant interpretation guidelines (Richards et al. 2015 PMID: 25741868, with internal and published modifications).

NM_012210.4(TRIM32):c.370C>T (p.Arg124Trp)

Genes: ASTN2 (astrotactin 2; minus strand), TRIM32 (tripartite motif containing 32; plus strand). Cytogenetic location: 9q33.1.
Variant type: single nucleotide variant.
Coding change: c.370C>T on transcript NM_012210.4 (MANE Select); coding-DNA position 370, C replaced by T.
Protein change: p.Arg124Trp; replaces arginine 124 with tryptophan.
Molecular consequence: missense variant. On other transcripts: intron variant (3).
Genome position (GRCh38, 1-based): chr9:116,698,112, C>T. VCF-style: chr9-116698112-C-T. GRCh37 (hg19) VCF-style: chr9-119460391-C-T.
Other names: c.370C>T, p.Arg124Trp (NM_001099679.2, NM_001379048.1, NM_001379049.1 and 1 more transcripts); c.2653+27659G>A (NM_014010.5); c.2794+27659G>A (NM_001365069.1); c.2806+27659G>A (NM_001365068.1); short protein forms R124W.
Identifiers: ClinVar variation 283473 (VCV000283473.52), dbSNP rs572052810, ClinGen allele CA5210955.